The following is an entry in ClinVar:

NM_000297.4(PKD2):c.1532_1533insAT (p.Asp511fs)

Gene: PKD2 (polycystin 2, transient receptor potential cation channel; plus strand). Cytogenetic location: 4q22.1.
Variant type: Insertion.
Coding change: c.1532_1533insAT on transcript NM_000297.4 (MANE Select); coding-DNA positions 1532 to 1533, AT inserted.
Protein change: p.Asp511fs; shifts the reading frame from aspartic acid 511.
Molecular consequence: frameshift variant. On other transcripts: non-coding transcript variant (1).
Genome position: GRCh38 VCF-style: chr4-88046854-A-AAT. GRCh37 (hg19) VCF-style: chr4-88968006-A-AAT.
Other names: c.1307_1308insAT, p.Asp436fs (NM_001440544.1); short protein forms D436fs, D511fs.
Identifiers: ClinVar variation 4687837 (VCV004687837.1).

ClinVar aggregate classification (germline): Pathogenic (1 of 4 stars; one submission).

Conditions:
Polycystic kidney disease 2 (PKD2). Also called: POLYCYSTIC KIDNEY DISEASE, ADULT, TYPE II; Polycystic Kidney Disease 2, Autosomal Dominant; POLYCYSTIC KIDNEY DISEASE 2 WITH OR WITHOUT POLYCYSTIC LIVER DISEASE. Identifiers: MedGen C2751306, MONDO:0013131, OMIM 613095.

Submission:

Women's Health and Genetics/Laboratory Corporation of America, LabCorp
Classification: Pathogenic for Polycystic kidney disease 2. Last evaluated: 2025-10-22. Review status: criteria provided, single submitter. Criteria: LabCorp Variant Classification Summary - May 2015. Collection method: clinical testing. Allele origin: germline.
Comment: Variant summary: PKD2 c.1532_1533insAT (p.Asp511GlufsX4) results in a premature termination codon, predicted to cause a truncation of the encoded protein or absence of the protein due to nonsense mediated decay, which are commonly known mechanisms for disease. The variant was absent in 251256 control chromosomes. c.1532_1533insAT has been observed in individual(s) affected with Polycystic Kidney Disease 2 (Trujillano_2014). The following publications have been ascertained in the context of this evaluation (PMID: 25333066, 28191890). No submitters have cited clinical-significance assessments for this variant to ClinVar. Based on the evidence outlined above, the variant was classified as pathogenic.

Literature cited by the submitters: PubMed 28191890; PubMed 25333066.